The following is an entry in ClinVar:

ClinVar aggregate classification (germline): Uncertain significance (1 of 4 stars; one submission).

Conditions:
Emery-Dreifuss muscular dystrophy 4, autosomal dominant (EDMD4). Also called: EMERY-DREIFUSS MUSCULAR DYSTROPHY 4 WITH VARIABLE FEATURES. Identifiers: Orphanet 261, MedGen C2751807, MONDO:0013071, OMIM 612998.
Autosomal recessive ataxia, Beauce type. Also called: Spinocerebellar ataxia, autosomal recessive 8; ATAXIA, RECESSIVE, OF BEAUCE; SYNE1 Deficiency; SYNE1-Related Autosomal Recessive Cerebellar Ataxia. Identifiers: Orphanet 88644, MedGen C1853116, MONDO:0012549, OMIM 610743.

gnomAD v4.1: 1 of 1,614,080 alleles (0.000062%); highest among the groups gnomAD compares: Admixed American, 0.0017%; no homozygotes.

Submission:

Labcorp Genetics (formerly Invitae), Labcorp
Classification: Uncertain significance for Emery-Dreifuss muscular dystrophy 4, autosomal dominant; Autosomal recessive ataxia, Beauce type. Last evaluated: 2022-07-21. Review status: criteria provided, single submitter. Criteria: Invitae Variant Classification Sherloc (09022015). Collection method: clinical testing. Allele origin: germline.
Comment: This sequence change replaces glutamic acid, which is acidic and polar, with glycine, which is neutral and non-polar, at codon 4284 of the SYNE1 protein (p.Glu4284Gly). This variant is not present in population databases (gnomAD no frequency). This variant has not been reported in the literature in individuals affected with SYNE1-related conditions. In summary, the available evidence is currently insufficient to determine the role of this variant in disease. Therefore, it has been classified as a Variant of Uncertain Significance. Algorithms developed to predict the effect of missense changes on protein structure and function are either unavailable or do not agree on the potential impact of this missense change (SIFT: "Deleterious"; PolyPhen-2: "Probably Damaging"; Align-GVGD: "Class C15"). ClinVar contains an entry for this variant (Variation ID: 1422562).

NM_182961.4(SYNE1):c.13064A>G (p.Glu4355Gly)

Gene: SYNE1 (spectrin repeat containing nuclear envelope protein 1; minus strand). Cytogenetic location: 6q25.2.
Variant type: single nucleotide variant.
Coding change: c.13064A>G on transcript NM_182961.4 (MANE Select); coding-DNA position 13064, A replaced by G.
Protein change: p.Glu4355Gly; replaces glutamic acid 4355 with glycine.
Molecular consequence: missense variant.
Genome position (GRCh38, 1-based): chr6:152,331,621, T>C on the plus strand (A>G on the coding strand, the complement: SYNE1 is on the minus strand). VCF-style: chr6-152331621-T-C. GRCh37 (hg19) VCF-style: chr6-152652756-T-C.
Other names: c.12851A>G, p.Glu4284Gly (NM_033071.5); short protein forms E4355G, E4284G.
Identifiers: ClinVar variation 1422562 (VCV001422562.4), dbSNP rs2153974617, ClinGen allele CA366102846.